The following is an entry in ClinVar:

ClinVar aggregate classification (germline): Uncertain significance (1 of 4 stars; one submission).

Allele frequency attached by ClinVar (database versions not stated): gnomAD exomes below 0.00001; TOPMed below 0.00001; gnomAD 0.00001.
gnomAD v4.1: 4 of 1,614,104 alleles (0.00025%); highest among the groups gnomAD compares: Non-Finnish European, 0.00025%; no homozygotes.

Submission:

Labcorp Genetics (formerly Invitae), Labcorp
Classification: Uncertain significance. Last evaluated: 2023-04-24. Review status: criteria provided, single submitter. Criteria: Invitae Variant Classification Sherloc (09022015). Collection method: clinical testing. Allele origin: germline.
Comment: In summary, the available evidence is currently insufficient to determine the role of this variant in disease. Therefore, it has been classified as a Variant of Uncertain Significance. An algorithm developed to predict the effect of missense changes on protein structure and function (PolyPhen-2) suggests that this variant is likely to be disruptive. ClinVar contains an entry for this variant (Variation ID: 1349763). This variant has not been reported in the literature in individuals affected with KMT2C-related conditions. This variant is present in population databases (no rsID available, gnomAD 0.0009%). This sequence change replaces arginine, which is basic and polar, with glutamine, which is neutral and polar, at codon 4763 of the KMT2C protein (p.Arg4763Gln).

NM_170606.3(KMT2C):c.14288G>A (p.Arg4763Gln)

Gene: KMT2C (lysine methyltransferase 2C; minus strand). Cytogenetic location: 7q36.1.
Variant type: single nucleotide variant.
Coding change: c.14288G>A on transcript NM_170606.3 (MANE Select); coding-DNA position 14288, G replaced by A.
Protein change: p.Arg4763Gln; replaces arginine 4763 with glutamine.
Molecular consequence: missense variant.
Genome position (GRCh38, 1-based): chr7:152,144,768, C>T on the plus strand (G>A on the coding strand, the complement: KMT2C is on the minus strand). VCF-style: chr7-152144768-C-T. GRCh37 (hg19) VCF-style: chr7-151841853-C-T.
Other names: short protein forms R4763Q.
Identifiers: ClinVar variation 1349763 (VCV001349763.8), dbSNP rs1373621680, ClinGen allele CA370087746.